The following is an entry in ClinVar:

ClinVar aggregate classification (germline): Uncertain significance (1 of 4 stars; one submission).

Submission:

GeneDx
Classification: Uncertain significance. Last evaluated: 2019-08-30. Review status: criteria provided, single submitter. Criteria: GeneDx Variant Classification Process June 2021. Collection method: clinical testing. Allele origin: germline. Affected: yes.
Comment: Not observed in large population cohorts (Lek et al., 2016); In silico analysis, which includes protein predictors and evolutionary conservation, supports a deleterious effect; Has not been previously published as pathogenic or benign to our knowledge

NM_001429.4(EP300):c.5110A>G (p.Lys1704Glu)

Gene: EP300 (E1A binding protein p300; plus strand). Cytogenetic location: 22q13.2.
Variant type: single nucleotide variant.
Coding change: c.5110A>G on transcript NM_001429.4 (MANE Select); coding-DNA position 5110, A replaced by G.
Protein change: p.Lys1704Glu; replaces lysine 1704 with glutamic acid.
Molecular consequence: missense variant.
Genome position (GRCh38, 1-based): chr22:41,176,821, A>G. VCF-style: chr22-41176821-A-G. GRCh37 (hg19) VCF-style: chr22-41572825-A-G.
Other names: c.5032A>G, p.Lys1678Glu (NM_001362843.2); short protein forms K1678E, K1704E.
Identifiers: ClinVar variation 1309742 (VCV001309742.2), dbSNP rs2145514891, ClinGen allele CA411708218.